The following is an entry in ClinVar:

ClinVar aggregate classification (germline): Uncertain significance. Review status: criteria provided, multiple submitters, no conflicts (2 of 4 stars). 2 submissions from 2 submitters: Uncertain significance (2). Last evaluated 2022-10-13.

Conditions:
Joubert syndrome. Also called: JOUBERT-BOLTSHAUSER SYNDROME; Familial aplasia of the vermis. Identifiers: Orphanet 475, MedGen C5979921, MONDO:0018772.
Meckel-Gruber syndrome. Also called: Dysencephalia splachnocystica; DYSENCEPHALIA SPLANCHNOCYSTICA; GRUBER SYNDROME. Identifiers: Orphanet 564, MedGen C0265215, MONDO:0018921.

gnomAD v4.1: 1 of 1,509,840 alleles (0.000066%); highest among the groups gnomAD compares: Non-Finnish European, 0.000089%; no homozygotes.

Submissions (2):

Labcorp Genetics (formerly Invitae), Labcorp
Classification: Uncertain significance for Joubert syndrome; Meckel-Gruber syndrome. Last evaluated: 2022-10-13. Review status: criteria provided, single submitter. Criteria: Invitae Variant Classification Sherloc (09022015). Collection method: clinical testing. Allele origin: germline.
Comment: This sequence change affects codon 1479 of the CC2D2A mRNA. It is a 'silent' change, meaning that it does not change the encoded amino acid sequence of the CC2D2A protein. This variant also falls at the last nucleotide of exon 35, which is part of the consensus splice site for this exon. This variant is not present in population databases (gnomAD no frequency). This variant has not been reported in the literature in individuals affected with CC2D2A-related conditions. ClinVar contains an entry for this variant (Variation ID: 1023694). Variants that disrupt the consensus splice site are a relatively common cause of aberrant splicing (PMID: 17576681, 9536098). Algorithms developed to predict the effect of sequence changes on RNA splicing suggest that this variant may disrupt the consensus splice site. In summary, the available evidence is currently insufficient to determine the role of this variant in disease. Therefore, it has been classified as a Variant of Uncertain Significance.

Blueprint Genetics
Classification: Uncertain significance. Last evaluated: 2021-03-17. Review status: criteria provided, single submitter. Criteria: ACMG Guidelines, 2015. Collection method: clinical testing. Allele origin: germline.

Literature cited by the submitters: PubMed 17576681 (cited by Labcorp Genetics (formerly Invitae), Labcorp); PubMed 9536098 (cited by Labcorp Genetics (formerly Invitae), Labcorp).

NM_001378615.1(CC2D2A):c.4437G>A (p.Gln1479=)

Genes: CC2D2A (coiled-coil and C2 domain containing 2A; plus strand), FBXL5 (F-box and leucine rich repeat protein 5; minus strand). Cytogenetic location: 4p15.32.
Variant type: single nucleotide variant.
Coding change: c.4437G>A on transcript NM_001378615.1 (MANE Select); coding-DNA position 4437, G replaced by A.
Protein change: p.Gln1479=; no amino-acid change (glutamine 1479 retained).
Molecular consequence: synonymous variant.
Genome position (GRCh38, 1-based): chr4:15,596,207, G>A. VCF-style: chr4-15596207-G-A. GRCh37 (hg19) VCF-style: chr4-15597830-G-A.
Other names: c.4437G>A, p.Gln1479= (NM_001080522.2); c.4290G>A, p.Gln1430= (NM_001378617.1).
Identifiers: ClinVar variation 1023694 (VCV001023694.8), dbSNP rs878854168, ClinGen allele CA438391101.
Genomic context (GRCh38, chr4:15,596,207, plus strand): 5'-CAAGCTATGGAAATCTTTCTTTTCAAGAAGCCTTCCATATCCTGGCCTTTCCAGTGTTCA[G>A]GTATAAATCTTTTATTAACAGTTAAATGTAGACAAAGTAAAAGATAGGAAATTATACTGG-3'
Protein context (NP_001365544.1, residues 1469-1489): SLPYPGLSSV[Gln1479=]PEELIYQRSD